The following is an entry in ClinVar:

NM_015267.4(CUX2):c.478G>A (p.Glu160Lys)

Gene: CUX2 (cut like homeobox 2; plus strand). Cytogenetic location: 12q24.11.
Variant type: single nucleotide variant.
Coding change: c.478G>A on transcript NM_015267.4 (MANE Select); coding-DNA position 478, G replaced by A.
Protein change: p.Glu160Lys; replaces glutamic acid 160 with lysine.
Molecular consequence: missense variant.
Genome position (GRCh38, 1-based): chr12:111,293,487, G>A. VCF-style: chr12-111293487-G-A. GRCh37 (hg19) VCF-style: chr12-111731291-G-A.
Other names: c.292G>A, p.Glu98Lys (NM_001370598.1); short protein forms E160K, E98K.
Identifiers: ClinVar variation 2643294 (VCV002643294.24), dbSNP rs199526069, ClinGen allele CA6788378.

ClinVar aggregate classification (germline): Likely benign (1 of 4 stars; one submission).

Allele frequency attached by ClinVar (database versions not stated): ExAC 0.00013; gnomAD 0.00015; gnomAD exomes 0.00016; ESP Exome Variant Server 0.00032.
gnomAD v4.1: 255 of 1,608,468 alleles (0.016%); highest among the groups gnomAD compares: Middle Eastern, 0.039%; no homozygotes.

Submission:

CeGaT Center for Human Genetics Tuebingen
Classification: Likely benign. Last evaluated: 2024-11-01. Review status: criteria provided, single submitter. Criteria: CeGaT Center For Human Genetics Tuebingen Variant Classification Criteria Version 2. Collection method: clinical testing. Allele origin: germline. Affected: yes. Observed: 3 variant alleles.
Comment: CUX2: BP4, BS2